The following is an entry in ClinVar:

NM_006218.4(PIK3CA):c.2159A>G (p.Lys720Arg)

Gene: PIK3CA (phosphatidylinositol-4,5-bisphosphate 3-kinase catalytic subunit alpha; plus strand). Cytogenetic location: 3q26.32.
Variant type: single nucleotide variant.
Coding change: c.2159A>G on transcript NM_006218.4 (MANE Select); coding-DNA position 2159, A replaced by G.
Protein change: p.Lys720Arg; replaces lysine 720 with arginine.
Molecular consequence: missense variant.
Genome position (GRCh38, 1-based): chr3:179,221,129, A>G. VCF-style: chr3-179221129-A-G. GRCh37 (hg19) VCF-style: chr3-178938917-A-G.
Other names: short protein forms K720R.
Identifiers: ClinVar variation 2567733 (VCV002567733.2), dbSNP rs2108413831, ClinGen allele CA355269078.

ClinVar aggregate classification (germline): Uncertain significance (1 of 4 stars; one submission).

Conditions:
Inborn genetic diseases. Identifiers: MedGen C0950123, MeSH D030342.

Submission:

Ambry Genetics
Classification: Uncertain significance for Inborn genetic diseases. Last evaluated: 2023-05-12. Review status: criteria provided, single submitter. Criteria: Ambry Variant Classification Scheme 2023. Collection method: clinical testing. Allele origin: germline.
Comment: The p.K720R variant (also known as c.2159A>G), located in coding exon 13 of the PIK3CA gene, results from an A to G substitution at nucleotide position 2159. The lysine at codon 720 is replaced by arginine, an amino acid with highly similar properties. This amino acid position is conserved. In addition, the in silico prediction for this alteration is inconclusive. Since supporting evidence is limited at this time, the clinical significance of this alteration remains unclear.